The following is an entry in ClinVar:

NM_000059.4(BRCA2):c.7542A>C (p.Lys2514Asn)

Gene: BRCA2 (BRCA2 DNA repair associated; plus strand). Cytogenetic location: 13q13.1.
Variant type: single nucleotide variant.
Coding change: c.7542A>C on transcript NM_000059.4 (MANE Select); coding-DNA position 7542, A replaced by C.
Protein change: p.Lys2514Asn; replaces lysine 2514 with asparagine.
Molecular consequence: missense variant. On other transcripts: non-coding transcript variant (1).
Genome position (GRCh38, 1-based): chr13:32,356,534, A>C. VCF-style: chr13-32356534-A-C. GRCh37 (hg19) VCF-style: chr13-32930671-A-C.
Other names: c.7446A>C, p.Lys2482Asn (NM_001406719.1); c.7542A>C, p.Lys2514Asn (NM_001406720.1); c.2610A>C, p.Lys870Asn (NM_001406721.1); c.1125A>C, p.Lys375Asn (NM_001406722.1); short protein forms K2482N, K2514N, K870N, K375N.
Identifiers: ClinVar variation 2468598 (VCV002468598.4), dbSNP rs2137562811, ClinGen allele CA387743635.

ClinVar aggregate classification (germline): Uncertain significance. Review status: criteria provided, multiple submitters, no conflicts (2 of 4 stars). 3 submissions from 3 submitters: Uncertain significance (3). Last evaluated 2025-10-26.

Conditions:
Hereditary cancer-predisposing syndrome. Also called: Neoplastic Syndromes, Hereditary; Hereditary neoplastic syndrome; Tumor predisposition; Hereditary Cancer Syndrome. Identifiers: Orphanet 140162, MedGen C0027672, MeSH D009386, MONDO:0015356.
Hereditary breast ovarian cancer syndrome. Also called: Hereditary breast and ovarian cancer syndrome (HBOC); Breast and ovarian cancer; BRCA1- and BRCA2-Associated Hereditary Breast and Ovarian Cancer; Hereditary breast and/or ovarian cancer syndrome; Hereditary breast and ovarian cancer; Hereditary breast and ovarian cancer syndrome. Identifiers: Orphanet 145, MedGen C0677776, MeSH D061325, MONDO:0003582. Disease mechanism: loss of function.

Submissions (3):

Women's Health and Genetics/Laboratory Corporation of America, LabCorp
Classification: Uncertain significance. Last evaluated: 2025-10-26. Review status: criteria provided, single submitter. Criteria: LabCorp Variant Classification Summary - May 2015. Collection method: clinical testing. Allele origin: germline.

Labcorp Genetics (formerly Invitae), Labcorp
Classification: Uncertain significance for Hereditary breast ovarian cancer syndrome. Last evaluated: 2025-10-18. Review status: criteria provided, single submitter. Criteria: Invitae Variant Classification Sherloc (09022015). Collection method: clinical testing. Allele origin: germline.
Comment: This sequence change replaces lysine, which is basic and polar, with asparagine, which is neutral and polar, at codon 2514 of the BRCA2 protein (p.Lys2514Asn). This variant is not present in population databases (gnomAD no frequency). This variant has not been reported in the literature in individuals affected with BRCA2-related conditions. ClinVar contains an entry for this variant (Variation ID: 2468598). Invitae Evidence Modeling of protein sequence and biophysical properties (such as structural, functional, and spatial information, amino acid conservation, physicochemical variation, residue mobility, and thermodynamic stability) indicates that this missense variant is not expected to disrupt BRCA2 protein function with a negative predictive value of 95%. In summary, the available evidence is currently insufficient to determine the role of this variant in disease. Therefore, it has been classified as a Variant of Uncertain Significance.

Ambry Genetics
Classification: Uncertain significance for Hereditary cancer-predisposing syndrome. Last evaluated: 2022-12-27. Review status: criteria provided, single submitter. Criteria: Ambry Variant Classification Scheme 2023. Collection method: clinical testing. Allele origin: germline.
Comment: The p.K2514N variant (also known as c.7542A>C), located in coding exon 14 of the BRCA2 gene, results from an A to C substitution at nucleotide position 7542. The lysine at codon 2514 is replaced by asparagine, an amino acid with similar properties. This amino acid position is conserved. In addition, the in silico prediction for this alteration is inconclusive. Since supporting evidence is limited at this time, the clinical significance of this alteration remains unclear.